The following is an entry in ClinVar:

ClinVar aggregate classification (germline): Uncertain significance. Review status: criteria provided, multiple submitters, no conflicts (2 of 4 stars). 2 submissions from 2 submitters: Uncertain significance (2). Last evaluated 2026-01-12.

Conditions:
Familial thoracic aortic aneurysm and aortic dissection (TAAD). Also called: Thoracic aortic aneurysms and dissections. Identifiers: Orphanet 91387, MedGen C4707243, MONDO:0019625.
Adams-Oliver syndrome 5 (AOS5). Identifiers: Orphanet 974, MedGen C4014970, MONDO:0014459, OMIM 616028.

Submissions (2):

Ambry Genetics
Classification: Uncertain significance for Familial thoracic aortic aneurysm and aortic dissection. Last evaluated: 2026-01-12. Review status: criteria provided, single submitter. Criteria: Ambry Variant Classification Scheme 2023. Collection method: clinical testing. Allele origin: germline.
Comment: The p.H1292R variant (also known as c.3875A>G), located in coding exon 23 of the NOTCH1 gene, results from an A to G substitution at nucleotide position 3875. The histidine at codon 1292 is replaced by arginine, an amino acid with highly similar properties. This amino acid position is conserved. In addition, this alteration is predicted to be tolerated by in silico analysis. Based on the available evidence, the clinical significance of this variant remains unclear.

Labcorp Genetics (formerly Invitae), Labcorp
Classification: Uncertain significance for Adams-Oliver syndrome 5. Last evaluated: 2025-07-21. Review status: criteria provided, single submitter. Criteria: Invitae Variant Classification Sherloc (09022015). Collection method: clinical testing. Allele origin: germline.
Comment: This sequence change replaces histidine, which is basic and polar, with arginine, which is basic and polar, at codon 1292 of the NOTCH1 protein (p.His1292Arg). This variant is not present in population databases (gnomAD no frequency). This variant has not been reported in the literature in individuals affected with NOTCH1-related conditions. Invitae Evidence Modeling of protein sequence and biophysical properties (such as structural, functional, and spatial information, amino acid conservation, physicochemical variation, residue mobility, and thermodynamic stability) indicates that this missense variant is not expected to disrupt NOTCH1 protein function with a negative predictive value of 80%. In summary, the available evidence is currently insufficient to determine the role of this variant in disease. Therefore, it has been classified as a Variant of Uncertain Significance.

NM_017617.5(NOTCH1):c.3875A>G (p.His1292Arg)

Gene: NOTCH1 (notch receptor 1; minus strand). Cytogenetic location: 9q34.3.
Variant type: single nucleotide variant.
Coding change: c.3875A>G on transcript NM_017617.5 (MANE Select); coding-DNA position 3875, A replaced by G.
Protein change: p.His1292Arg; replaces histidine 1292 with arginine.
Molecular consequence: missense variant.
Genome position (GRCh38, 1-based): chr9:136,506,742, T>C on the plus strand (A>G on the coding strand, the complement: NOTCH1 is on the minus strand). VCF-style: chr9-136506742-T-C. GRCh37 (hg19) VCF-style: chr9-139401194-T-C.
Other names: c.3875A>G (NM_017617.3); short protein forms H1292R.
Identifiers: ClinVar variation 4752359 (VCV004752359.2).